The following is an entry in ClinVar:

NM_030973.4(MED25):c.1288C>G (p.Gln430Glu)

Gene: MED25 (mediator complex subunit 25; plus strand). Cytogenetic location: 19q13.33.
Variant type: single nucleotide variant.
Coding change: c.1288C>G on transcript NM_030973.4 (MANE Select); coding-DNA position 1288, C replaced by G.
Protein change: p.Gln430Glu; replaces glutamine 430 with glutamic acid.
Molecular consequence: missense variant.
Genome position (GRCh38, 1-based): chr19:49,831,993, C>G. VCF-style: chr19-49831993-C-G. GRCh37 (hg19) VCF-style: chr19-50335250-C-G.
Other names: c.1288C>G, p.Gln430Glu (NM_001378355.1); short protein forms Q430E.
Identifiers: ClinVar variation 945840 (VCV000945840.9), dbSNP rs2074060785, ClinGen allele CA406916858.
Genomic context (GRCh38, chr19:49,831,993, plus strand): 5'-CAGAAACCCAAACCTGCCTCAGTGGATGCCAACACCAAGCTGACGCGGTCACTGCCCTGC[C>G]AGGTCTACGTGAATCATGGCGAGAACCTGTAGGTGACAGTCAGGGGCGGGGTGTGGTGGG-3'
Protein context (NP_112235.2, residues 420-440): NTKLTRSLPC[Gln430Glu]VYVNHGENLK

ClinVar aggregate classification (germline): Uncertain significance (1 of 4 stars; one submission).

Conditions:
Charcot-Marie-Tooth disease type 2. Also called: Charcot-Marie-Tooth type 2. Identifiers: Orphanet 64746, MedGen C0270914, MONDO:0018993.

gnomAD v4.1: 3 of 1,614,076 alleles (0.00019%); highest among the groups gnomAD compares: Non-Finnish European, 0.00017%; no homozygotes.

Submission:

Labcorp Genetics (formerly Invitae), Labcorp
Classification: Uncertain significance for Charcot-Marie-Tooth disease type 2. Last evaluated: 2019-07-22. Review status: criteria provided, single submitter. Criteria: Invitae Variant Classification Sherloc (09022015). Collection method: clinical testing. Allele origin: germline.
Comment: In summary, the available evidence is currently insufficient to determine the role of this variant in disease. Therefore, it has been classified as a Variant of Uncertain Significance. Algorithms developed to predict the effect of missense changes on protein structure and function are either unavailable or do not agree on the potential impact of this missense change (SIFT: "Tolerated"; PolyPhen-2: "Possibly Damaging"; Align-GVGD: "Class C0"). This variant has not been reported in the literature in individuals with MED25-related conditions. This variant is not present in population databases (ExAC no frequency). This sequence change replaces glutamine with glutamic acid at codon 430 of the MED25 protein (p.Gln430Glu). The glutamine residue is highly conserved and there is a small physicochemical difference between glutamine and glutamic acid.